The following is an entry in ClinVar:

NM_025137.4(SPG11):c.3710C>T (p.Ala1237Val)

Gene: SPG11 (SPG11 vesicle trafficking associated, spatacsin; minus strand). Cytogenetic location: 15q21.1.
Variant type: single nucleotide variant.
Coding change: c.3710C>T on transcript NM_025137.4 (MANE Select); coding-DNA position 3710, C replaced by T.
Protein change: p.Ala1237Val; replaces alanine 1237 with valine.
Molecular consequence: missense variant.
Genome position (GRCh38, 1-based): chr15:44,598,813, G>A on the plus strand (C>T on the coding strand, the complement: SPG11 is on the minus strand). VCF-style: chr15-44598813-G-A. GRCh37 (hg19) VCF-style: chr15-44891011-G-A.
Other names: c.3710C>T, p.Ala1237Val (NM_001160227.2); short protein forms A1237V.
Identifiers: ClinVar variation 862012 (VCV000862012.24), dbSNP rs752883289, ClinGen allele CA7534861.

ClinVar aggregate classification (germline): Uncertain significance. Review status: criteria provided, multiple submitters, no conflicts (2 of 4 stars). 2 submissions from 2 submitters: Uncertain significance (2). Last evaluated 2024-04-01.

Conditions:
Hereditary spastic paraplegia 11. Also called: SPASTIC PARAPLEGIA, AUTOSOMAL RECESSIVE, COMPLICATED, WITH THIN CORPUS CALLOSUM; SPASTIC PARAPLEGIA, AUTOSOMAL RECESSIVE, WITH MENTAL IMPAIRMENT AND THIN CORPUS CALLOSUM; Spastic Paraplegia 11; Nakamura Osame syndrome; Autosomal recessive hereditary spastic paraplegia, mental impairment, and thin corpus callosum; Spastic paraplegia, mental retardation and thin corpus callosum. Identifiers: Orphanet 2822, MedGen C1858479, MONDO:0011445, OMIM 604360.

Allele frequency attached by ClinVar (database versions not stated): gnomAD exomes below 0.00001 and 0.00001; TOPMed below 0.00001; ExAC 0.00001.
gnomAD v4.1: 2 of 1,614,172 alleles (0.00012%); highest among the groups gnomAD compares: East Asian, 0.0022%; no homozygotes.

Submissions (2):

CeGaT Center for Human Genetics Tuebingen
Classification: Uncertain significance. Last evaluated: 2024-04-01. Review status: criteria provided, single submitter. Criteria: CeGaT Center For Human Genetics Tuebingen Variant Classification Criteria Version 2. Collection method: clinical testing. Allele origin: germline. Affected: yes. Observed: 1 variant allele.
Comment: SPG11: PM2

Labcorp Genetics (formerly Invitae), Labcorp
Classification: Uncertain significance for Hereditary spastic paraplegia 11. Last evaluated: 2021-09-15. Review status: criteria provided, single submitter. Criteria: Invitae Variant Classification Sherloc (09022015). Collection method: clinical testing. Allele origin: germline.
Comment: This sequence change replaces alanine with valine at codon 1237 of the SPG11 protein (p.Ala1237Val). The alanine residue is highly conserved and there is a small physicochemical difference between alanine and valine. This variant is present in population databases (rs752883289, ExAC 0.01%). This variant has not been reported in the literature in individuals affected with SPG11-related conditions. Algorithms developed to predict the effect of missense changes on protein structure and function are either unavailable or do not agree on the potential impact of this missense change (SIFT: "Tolerated"; PolyPhen-2: "Possibly Damaging"; Align-GVGD: "Class C0"). In summary, the available evidence is currently insufficient to determine the role of this variant in disease. Therefore, it has been classified as a Variant of Uncertain Significance.